The following is an entry in ClinVar:

ClinVar aggregate classification (germline): Benign/Likely benign. Review status: criteria provided, multiple submitters, no conflicts (2 of 4 stars). 2 submissions from 2 submitters: Benign (1); Likely benign (1). Last evaluated 2025-02-18.

Conditions:
Fanconi anemia complementation group O. Also called: RAD51C-Related Fanconi Anemia. Identifiers: Orphanet 84, MedGen C3150653, MONDO:0013248, OMIM 613390.
Breast-ovarian cancer, familial, susceptibility to, 3. Also called: RAD51C-Related Breast/Ovarian Cancer. Identifiers: Orphanet 145, MedGen C3150659, MONDO:0013253, OMIM 613399.

Allele frequency attached by ClinVar (database versions not stated): gnomAD exomes below 0.00001; ExAC 0.00001.
gnomAD v4.1: 1 of 1,609,618 alleles (0.000062%); highest among the groups gnomAD compares: South Asian, 0.0011%; no homozygotes.

Submissions (2):

Myriad Genetics, Inc.
Classification: Benign for Breast-ovarian cancer, familial, susceptibility to, 3. Last evaluated: 2025-02-18. Review status: criteria provided, single submitter. Criteria: Myriad Autosomal Dominant, Autosomal Recessive and X-Linked Classification Criteria (2023). Collection method: clinical testing. Allele origin: unknown.
Comment: This variant is considered benign. This variant is a silent/synonymous amino acid change and it is not expected to impact splicing.

Labcorp Genetics (formerly Invitae), Labcorp
Classification: Likely benign for Fanconi anemia complementation group O. Last evaluated: 2022-11-08. Review status: criteria provided, single submitter. Criteria: Invitae Variant Classification Sherloc (09022015). Collection method: clinical testing. Allele origin: germline.

NM_058216.3(RAD51C):c.648C>T (p.Tyr216=)

Genes: RAD51C (RAD51 paralog C; plus strand), LOC129390903 (MPRA-validated peak2919 silencer; plus strand). Cytogenetic location: 17q22.
Variant type: single nucleotide variant.
Coding change: c.648C>T on transcript NM_058216.3 (MANE Select); coding-DNA position 648, C replaced by T.
Protein change: p.Tyr216=; no amino-acid change (tyrosine 216 retained).
Molecular consequence: synonymous variant. On other transcripts: non-coding transcript variant (1).
Genome position (GRCh38, 1-based): chr17:58,703,272, C>T. VCF-style: chr17-58703272-C-T. GRCh37 (hg19) VCF-style: chr17-56780633-C-T.
Other names: c.*76C>T (NM_058217.1).
Identifiers: ClinVar variation 2787503 (VCV002787503.4), dbSNP rs750060665, ClinGen allele CA8677288.
Genomic context (GRCh38, chr17:58,703,272, plus strand): 5'-GGAGGATTTCACTCTTGATAATATTCTTTCTCATATTTATTATTTTCGCTGTCGTGACTA[C>T]ACAGAGTTACTGGCACAAGTTTATCTTCTTCCAGATTTCCTTTCAGAACACTCAAAGGTA-3'
Protein context (NP_478123.1, residues 206-226): SHIYYFRCRD[Tyr216=]TELLAQVYLL